The following is an entry in ClinVar:

ClinVar aggregate classification (germline): Uncertain significance (1 of 4 stars; one submission).

Conditions:
ABCC12-related condition.

Submission:

PreventionGenetics, part of Exact Sciences
Classification: Uncertain significance for ABCC12-related condition. Last evaluated: 2026-07-14. Review status: criteria provided, single submitter. Criteria: ACMG Guidelines, 2015. Collection method: clinical testing. Allele origin: germline.
Comment: The ABCC12 c.3080delT variant is predicted to result in a frameshift and premature protein termination (p.Leu1027Argfs*7). To our knowledge, this variant has not been reported in the literature. This variant is reported in 0.80% of alleles in individuals of East Asian descent in gnomAD. Although we suspect that this variant may be benign, its clinical significance is classified as uncertain due to the absence of conclusive functional and genetic evidence.

NM_001393797.1(ABCC12):c.3080del (p.Leu1027fs)

Gene: ABCC12 (ATP binding cassette subfamily C member 12; minus strand). Cytogenetic location: 16q12.1.
Variant type: Deletion.
Coding change: c.3080del on transcript NM_001393797.1 (MANE Select); coding-DNA position 3080, one base deleted (T; older notation c.3080delT).
Protein change: p.Leu1027fs; shifts the reading frame from leucine 1027.
Molecular consequence: frameshift variant. On other transcripts: non-coding transcript variant (6).
Genome position (GRCh38, 1-based): chr16:48,096,861, A deleted on the plus strand (T on the coding strand, the reverse complement: ABCC12 is on the minus strand). VCF-style (leftmost placement, unchanged base first): chr16-48096860-CA-C. GRCh37 (hg19) VCF-style: chr16-48130771-CA-C.
Other names: c.3080del, p.Leu1027fs (NM_033226.3); short protein forms L1027fs.
Identifiers: ClinVar variation 4989215 (VCV004989215.1).